The following is an entry in ClinVar:

NM_000038.6(APC):c.-19+53T>C

Gene: APC (APC regulator of WNT signaling pathway; plus strand). Cytogenetic location: 5q22.2.
Variant type: single nucleotide variant.
Coding change: c.-19+53T>C on transcript NM_000038.6 (MANE Select); 53 bases into the intron after 19 bases upstream of the start codon, T replaced by C.
Molecular consequence: intron variant.
Genome position (GRCh38, 1-based): chr5:112,737,978, T>C. VCF-style: chr5-112737978-T-C. GRCh37 (hg19) VCF-style: chr5-112073675-T-C.
Other names: c.-18-16895T>C (NM_001354895.2); c.166-28348T>C (NM_001354897.2, NM_001354902.2, NM_001127511.3); c.-127+53T>C (NM_001127510.3); c.-49+53T>C (NM_001354898.2, NM_001354904.2); c.-1054+53T>C (NM_001354906.2); c.-19+53T>C (NM_001354896.2, NM_001354903.2, NM_001354899.2); c.-43+53T>C (NM_001354900.2, NM_001354901.2, NM_001354905.2).
Identifiers: ClinVar variation 676802 (VCV000676802.1), dbSNP rs80313086, ClinGen allele CA124952015.

ClinVar aggregate classification (germline): Likely benign (1 of 4 stars; one submission).

Allele frequency attached by ClinVar (database versions not stated): 1000 Genomes Project 0.00319; 1000 Genomes Project 30x 0.00328; gnomAD 0.00515 and 0.00552; TOPMed 0.00541.
gnomAD v4.1: 1,078 of 948,950 alleles (0.11%); highest among the groups gnomAD compares: African/African-American, 1.8%; 16 homozygotes.

Submission:

GeneDx
Classification: Likely benign. Last evaluated: 2018-06-12. Review status: criteria provided, single submitter. Criteria: GeneDx Variant Classification (06012015). Collection method: clinical testing. Allele origin: germline. Affected: yes.
Comment: This variant is considered likely benign or benign based on one or more of the following criteria: it is a conservative change, it occurs at a poorly conserved position in the protein, it is predicted to be benign by multiple in silico algorithms, and/or has population frequency not consistent with disease.